The following is an entry in ClinVar:

ClinVar aggregate classification (germline): Uncertain significance. Review status: criteria provided, multiple submitters, no conflicts (2 of 4 stars). 4 submissions from 4 submitters: Uncertain significance (4). Last evaluated 2025-05-15.

Conditions:
Inborn genetic diseases. Identifiers: MedGen C0950123, MeSH D030342.

Allele frequency attached by ClinVar (database versions not stated): TOPMed below 0.00001; ExAC 0.00001; gnomAD exomes 0.00001.
gnomAD v4.1: 43 of 1,613,132 alleles (0.0027%); highest among the groups gnomAD compares: Middle Eastern, 0.033%; no homozygotes.

Submissions (4):

Mayo Clinic Laboratories, Mayo Clinic
Classification: Uncertain significance. Last evaluated: 2025-05-15. Review status: criteria provided, single submitter. Criteria: ACMG Guidelines, 2015. Collection method: clinical testing. Allele origin: germline. Observed: 1 variant allele.
Comment: BP5_moderate

Labcorp Genetics (formerly Invitae), Labcorp
Classification: Uncertain significance. Last evaluated: 2024-08-08. Review status: criteria provided, single submitter. Criteria: Invitae Variant Classification Sherloc (09022015). Collection method: clinical testing. Allele origin: germline.
Comment: This sequence change replaces leucine, which is neutral and non-polar, with isoleucine, which is neutral and non-polar, at codon 178 of the PDE10A protein (p.Leu178Ile). This variant is present in population databases (rs377447624, gnomAD 0.004%). This variant has not been reported in the literature in individuals affected with PDE10A-related conditions. ClinVar contains an entry for this variant (Variation ID: 1425632). An algorithm developed to predict the effect of missense changes on protein structure and function (PolyPhen-2) suggests that this variant is likely to be tolerated. In summary, the available evidence is currently insufficient to determine the role of this variant in disease. Therefore, it has been classified as a Variant of Uncertain Significance.

Revvity Omics, Revvity
Classification: Uncertain significance. Last evaluated: 2023-10-30. Review status: criteria provided, single submitter. Criteria: ACMG Guidelines, 2015. Collection method: clinical testing. Allele origin: germline.

Ambry Genetics
Classification: Uncertain significance for Inborn genetic diseases. Last evaluated: 2021-08-26. Review status: criteria provided, single submitter. Criteria: Ambry Variant Classification Scheme 2023. Collection method: clinical testing. Allele origin: germline.

NM_001385079.1(PDE10A):c.1330C>A (p.Leu444Ile)

Gene: PDE10A (phosphodiesterase 10A; minus strand). Cytogenetic location: 6q27.
Variant type: single nucleotide variant.
Coding change: c.1330C>A on transcript NM_001385079.1 (MANE Select); coding-DNA position 1330, C replaced by A.
Protein change: p.Leu444Ile; replaces leucine 444 with isoleucine.
Molecular consequence: missense variant.
Genome position (GRCh38, 1-based): chr6:165,435,242, G>T on the plus strand (C>A on the coding strand, the complement: PDE10A is on the minus strand). VCF-style: chr6-165435242-G-T. GRCh37 (hg19) VCF-style: chr6-165848730-G-T.
Other names: p.Leu178Ile; c.532C>A, p.Leu178Ile (NM_001130690.3); c.502C>A, p.Leu168Ile (NM_006661.4); c.532C>A (NM_001130690.2, NM_001130690.1); short protein forms L178I, L168I, L444I.
Identifiers: ClinVar variation 1425632 (VCV001425632.12), dbSNP rs377447624, ClinGen allele CA4092450.